The following is an entry in ClinVar:

NM_004260.4(RECQL4):c.3463T>C (p.Phe1155Leu)

Gene: RECQL4 (RecQ like helicase 4; minus strand). Cytogenetic location: 8q24.3.
Variant type: single nucleotide variant.
Coding change: c.3463T>C on transcript NM_004260.4 (MANE Select); coding-DNA position 3463, T replaced by C.
Protein change: p.Phe1155Leu; replaces phenylalanine 1155 with leucine.
Molecular consequence: missense variant.
Genome position (GRCh38, 1-based): chr8:144,511,720, A>G on the plus strand (T>C on the coding strand, the complement: RECQL4 is on the minus strand). VCF-style: chr8-144511720-A-G. GRCh37 (hg19) VCF-style: chr8-145737103-A-G.
Other names: short protein forms F1155L.
Identifiers: ClinVar variation 942311 (VCV000942311.5), dbSNP rs757502009, ClinGen allele CA4947729.
Genomic context (GRCh38, chr8:144,511,720, plus strand): 5'-GTGGGGCCTCCCAGGCCTCACCGATGCCGTGGAAGATGCGGGCCACAGCCCTGCTGGAGA[A>G]CTTCTCCTCTGGCCTCAGGGACAGGAACTGGCGGATGTCGCAGCGGACCTGGTCCTCCCA-3'
Protein context (NP_004251.4, residues 1145-1165): QFLSLRPEEK[Phe1155Leu]SSRAVARIFH

ClinVar aggregate classification (germline): Uncertain significance (1 of 4 stars; one submission).

Conditions:
Baller-Gerold syndrome (BGS). Also called: CRANIOSYNOSTOSIS WITH RADIAL DEFECTS. Identifiers: Orphanet 1225, MedGen C0265308, MONDO:0009039, OMIM 218600.

Allele frequency attached by ClinVar (database versions not stated): gnomAD exomes below 0.00001 and 0.00001; ExAC 0.00001; gnomAD 0.00001.
gnomAD v4.1: 8 of 1,612,312 alleles (0.0005%); highest among the groups gnomAD compares: Non-Finnish European, 0.00059%; no homozygotes.

Submission:

Labcorp Genetics (formerly Invitae), Labcorp
Classification: Uncertain significance for Baller-Gerold syndrome. Last evaluated: 2019-05-31. Review status: criteria provided, single submitter. Criteria: Invitae Variant Classification Sherloc (09022015). Collection method: clinical testing. Allele origin: germline.
Comment: This sequence change replaces phenylalanine with leucine at codon 1155 of the RECQL4 protein (p.Phe1155Leu). The phenylalanine residue is highly conserved and there is a small physicochemical difference between phenylalanine and leucine. This variant is present in population databases (rs757502009, ExAC 0.002%). This variant has not been reported in the literature in individuals with RECQL4-related conditions. Algorithms developed to predict the effect of missense changes on protein structure and function are either unavailable or do not agree on the potential impact of this missense change (SIFT: "Tolerated"; PolyPhen-2: "not available"; Align-GVGD: "Class C0"). In summary, the available evidence is currently insufficient to determine the role of this variant in disease. Therefore, it has been classified as a Variant of Uncertain Significance.